The following is an entry in ClinVar:

ClinVar aggregate classification (germline): Conflicting classifications of pathogenicity. Review status: criteria provided, conflicting classifications (1 of 4 stars). 2 submissions from 2 submitters: Uncertain significance (1); Likely benign (1). Last evaluated 2024-11-05.

Conditions:
X-linked distal spinal muscular atrophy type 3. Also called: SPINAL MUSCULAR ATROPHY, DISTAL, X-LINKED RECESSIVE; ATP7A-Related Distal Motor Neuropathy; NEURONOPATHY, DISTAL HEREDITARY MOTOR, X-LINKED; NEUROPATHY, DISTAL HEREDITARY MOTOR, X-LINKED. Identifiers: Orphanet 139557, MedGen C1845359, MONDO:0010338, OMIM 300489.
Menkes kinky-hair syndrome (MNK). Also called: Copper transport disease; Classic Menkes Disease; Menkes Disease. Identifiers: Orphanet 565, MedGen C0022716, MONDO:0010651, OMIM 309400.
Cutis laxa, X-linked (OHS). Also called: EDS IX; Occipital horn syndrome. Identifiers: Orphanet 198, MedGen C0268353, MONDO:0010572, OMIM 304150.

Submissions (2):

Labcorp Genetics (formerly Invitae), Labcorp
Classification: Uncertain significance for X-linked distal spinal muscular atrophy type 3; Cutis laxa, X-linked; Menkes kinky-hair syndrome. Last evaluated: 2024-11-05. Review status: criteria provided, single submitter. Criteria: Invitae Variant Classification Sherloc (09022015). Collection method: clinical testing. Allele origin: germline.
Comment: This sequence change replaces methionine, which is neutral and non-polar, with lysine, which is basic and polar, at codon 699 of the ATP7A protein (p.Met699Lys). This variant is not present in population databases (gnomAD no frequency). This variant has not been reported in the literature in individuals affected with ATP7A-related conditions. ClinVar contains an entry for this variant (Variation ID: 1699035). Invitae Evidence Modeling of protein sequence and biophysical properties (such as structural, functional, and spatial information, amino acid conservation, physicochemical variation, residue mobility, and thermodynamic stability) indicates that this missense variant is not expected to disrupt ATP7A protein function with a negative predictive value of 95%. In summary, the available evidence is currently insufficient to determine the role of this variant in disease. Therefore, it has been classified as a Variant of Uncertain Significance.

Victorian Clinical Genetics Services, Murdoch Childrens Research Institute
Classification: Likely benign for X-linked distal spinal muscular atrophy type 3. Last evaluated: 2022-03-31. Review status: criteria provided, single submitter. Criteria: ACMG Guidelines, 2015. Collection method: clinical testing. Allele origin: germline. Inheritance: X-linked inheritance. Affected: yes.
Comment: Based on the classification scheme VCGS_Germline_v1.3.4, this variant is classified as likely benign. Following criteria are met: 0102 - Loss of function is a known mechanism of disease in this gene and is associated with occipital horn syndrome (OHS) (MIM#304150), Menkes disease (MIM#309400) and X-linked distal spinal muscular atrophy 3 (MIM#300489). (I) 0109 - This gene is associated with X-linked recessive disease. Female carriers have been previously described with the OHS phenotype, and are more mildly affected (OMIM). (I) 0115 - Variants in this gene are known to have variable expressivity. Intrafamilial phenotypic variability is occasionally observed in females with Menkes disease (PMID: 25428120, GeneReviews). (I) 0200 - Variant is predicted to result in a missense amino acid change from methionine to lysine. (I) 0251 - This variant is heterozygous. (I) 0301 - Variant is absent from gnomAD (both v2 and v3). (SP) 0501 - Missense variant consistently predicted to be damaging by multiple in silico tools or highly conserved with a major amino acid change. (SP) 0600 - Variant is located in the annotated P-type heavy metal-transporting ATPase domain (NCBI). (I) 0705 - No comparable missense variants have previous evidence for pathogenicity. (I) 0807 - This variant has no previous evidence of pathogenicity. (I) 0904 - Non-segregation of this variant with the phenotype under investigation has been clearly demonstrated. (SB) 1007 - No published functional evidence has been identified for this variant. (I) Legend: (SP) - Supporting pathogenic, (I) - Information, (SB) - Supporting benign

Literature cited by the submitters: PubMed 25428120 (cited by Victorian Clinical Genetics Services, Murdoch Childrens Research Institute).

NM_000052.7(ATP7A):c.2096T>A (p.Met699Lys)

Gene: ATP7A (ATPase copper transporting alpha; plus strand). Cytogenetic location: Xq21.1.
Variant type: single nucleotide variant.
Coding change: c.2096T>A on transcript NM_000052.7 (MANE Select); coding-DNA position 2096, T replaced by A.
Protein change: p.Met699Lys; replaces methionine 699 with lysine.
Molecular consequence: missense variant.
Genome position (GRCh38, 1-based): chrX:78,011,598, T>A. VCF-style: chrX-78011598-T-A. GRCh37 (hg19) VCF-style: chrX-77267095-T-A.
Other names: c.2096T>A, p.Met699Lys (NM_001282224.2); short protein forms M699K.
Identifiers: ClinVar variation 1699035 (VCV001699035.6), dbSNP rs2149095258, ClinGen allele CA413598412.
Genomic context (GRCh38, chrX:78,011,598, plus strand): 5'-CAACTCTTCACCATAATCAAAACATGAGTAAAGAAGAAATGATCAACCTTCATTCTTCTA[T>A]GTTCCTGGAGCGCCAGATTCTTCCAGGATTGTCTGTTATGAATTTGCTGTCCTTTTTATT-3'
Protein context (NP_000043.4, residues 689-709): KEEMINLHSS[Met699Lys]FLERQILPGL